The following is an entry in ClinVar:

NM_001365536.1(SCN9A):c.3944T>C (p.Ile1315Thr)

Genes: SCN1A-AS1 (SCN1A and SCN9A antisense RNA 1; plus strand), SCN9A (sodium voltage-gated channel alpha subunit 9; minus strand). Cytogenetic location: 2q24.3.
Variant type: single nucleotide variant.
Coding change: c.3944T>C on transcript NM_001365536.1 (MANE Select); coding-DNA position 3944, T replaced by C.
Protein change: p.Ile1315Thr; replaces isoleucine 1315 with threonine.
Molecular consequence: missense variant.
Genome position (GRCh38, 1-based): chr2:166,228,953, A>G on the plus strand (T>C on the coding strand, the complement: SCN9A is on the minus strand). VCF-style: chr2-166228953-A-G. GRCh37 (hg19) VCF-style: chr2-167085463-A-G.
Other names: c.3911T>C, p.Ile1304Thr (NM_002977.4); short protein forms I1304T, I1315T.
Identifiers: ClinVar variation 331965 (VCV000331965.25), dbSNP rs202235611, ClinGen allele CA1943972.

ClinVar aggregate classification (germline): Conflicting classifications of pathogenicity. Review status: criteria provided, conflicting classifications (1 of 4 stars). 7 submissions from 5 submitters: Uncertain significance (5); Benign (2). Last evaluated 2025-12-15.

Conditions:
Neuropathy, hereditary sensory and autonomic, type 2A (HSAN2A). Also called: MORVAN DISEASE; NEUROPATHY, CONGENITAL SENSORY; NEUROPATHY, HEREDITARY SENSORY RADICULAR, AUTOSOMAL RECESSIVE; NEUROPATHY, HEREDITARY SENSORY, TYPE IIA; NEUROPATHY, PROGRESSIVE SENSORY, OF CHILDREN; HSAN IIA. Identifiers: Orphanet 970, MedGen C2752089, MONDO:0024309, OMIM 201300.
Generalized epilepsy with febrile seizures plus, type 7 (GEFSP7). Also called: GEFS+, TYPE 7. Identifiers: Orphanet 36387, MedGen C2751778, MONDO:0013470, OMIM 613863.
Channelopathy-associated congenital insensitivity to pain, autosomal recessive. Also called: Insensitivity to pain, channelopathy-associated; ASYMBOLIA FOR PAIN; CONGENITAL ANALGESIA, AUTOSOMAL RECESSIVE. Identifiers: Orphanet 88642, Orphanet 970, MedGen C1855739, MONDO:0009459, OMIM 243000.
Paroxysmal extreme pain disorder (PEXPD). Also called: PAIN, SUBMANDIBULAR, OCULAR, AND RECTAL, WITH FLUSHING; RECTAL PAIN, FAMILIAL; SCN9A Paroxysmal Extreme Pain Disorder (SCN9A-PEPD). Identifiers: Orphanet 46348, MedGen C1833661, MONDO:0008179, OMIM 167400.
Primary erythromelalgia. Also called: SCN9A Erythromelalgia (SCN9A-EM); primary erythermalgia. Identifiers: Orphanet 306577, Orphanet 90026, MedGen C0014805, MONDO:0007571, OMIM 133020.

Allele frequency attached by ClinVar (database versions not stated): TOPMed 0.00003; gnomAD exomes 0.00004 and 0.00005; ExAC 0.00005; gnomAD 0.00007; ESP Exome Variant Server 0.00008.
gnomAD v4.1: 89 of 1,613,316 alleles (0.0055%); highest among the groups gnomAD compares: East Asian, 0.018%; no homozygotes.

Submissions (7):

Labcorp Genetics (formerly Invitae), Labcorp
Classification: Uncertain significance for Neuropathy, hereditary sensory and autonomic, type 2A; Generalized epilepsy with febrile seizures plus, type 7. Last evaluated: 2025-12-15. Review status: criteria provided, single submitter. Criteria: Invitae Variant Classification Sherloc (09022015). Collection method: clinical testing. Allele origin: germline.
Comment: This sequence change replaces isoleucine, which is neutral and non-polar, with threonine, which is neutral and polar, at codon 1304 of the SCN9A protein (p.Ile1304Thr). This variant is present in population databases (rs202235611, gnomAD 0.02%). This variant has not been reported in the literature in individuals affected with SCN9A-related conditions. ClinVar contains an entry for this variant (Variation ID: 331965). Invitae Evidence Modeling of protein sequence and biophysical properties (such as structural, functional, and spatial information, amino acid conservation, physicochemical variation, residue mobility, and thermodynamic stability) indicates that this missense variant is not expected to disrupt SCN9A protein function with a negative predictive value of 95%. In summary, the available evidence is currently insufficient to determine the role of this variant in disease. Therefore, it has been classified as a Variant of Uncertain Significance.

GeneDx
Classification: Uncertain significance. Last evaluated: 2023-08-02. Review status: criteria provided, single submitter. Criteria: GeneDx Variant Classification Process June 2021. Collection method: clinical testing. Allele origin: germline. Affected: yes.
Comment: Observed in a patient with a generalized distribution of burning pain (Egenolf et al., 2021); In silico analysis supports that this missense variant has a deleterious effect on protein structure/function; This variant is associated with the following publications: (PMID: 34335876)

Revvity Omics, Revvity
Classification: Uncertain significance. Last evaluated: 2020-01-30. Review status: criteria provided, single submitter. Criteria: ACMG Guidelines, 2015. Collection method: clinical testing. Allele origin: germline.

ARUP Laboratories, Molecular Genetics and Genomics, ARUP Laboratories
Classification: Uncertain significance. Last evaluated: 2018-07-03. Review status: criteria provided, single submitter. Criteria: ARUP Molecular Germline Variant Investigation Process. Collection method: clinical testing. Allele origin: germline.
Comment: The SCN9A c.3911T>C; p.Ile1304Thr variant (rs202235611), to our knowledge, is not reported in the medical literature but is reported as a variant of uncertain significance in ClinVar (Variation ID: 331965). This variant is found in the East Asian population with an overall allele frequency of 0.02% (4/18868 alleles) in the Genome Aggregation Database. The isoleucine at codon 1304 is moderately conserved, but occurs as a threonine in several other vertebrates. Computational analyses (SIFT: damaging, PolyPhen-2: benign) predict conflicting effects of this variant on protein structure/function. Due to limited information, the clinical significance of the SCN9A c.3911T>C; p.Ile1304Thr variant is uncertain at this time.

Illumina Laboratory Services, Illumina
Classification: Benign for Paroxysmal extreme pain disorder. Last evaluated: 2018-01-13. Review status: criteria provided, single submitter. Criteria: ICSL Variant Classification Criteria 13 December 2019. Collection method: clinical testing. Allele origin: germline.
Comment: This variant was observed in the ICSL laboratory as part of a predisposition screen in an ostensibly healthy population. It had not been previously curated by ICSL or reported in the Human Gene Mutation Database (HGMD: prior to June 1st, 2018), and was therefore a candidate for classification through an automated scoring system. Utilizing variant allele frequency, disease prevalence and penetrance estimates, and inheritance mode, an automated score was calculated to assess if this variant is too frequent to cause the disease. Based on the score and internal cut-off values, a variant classified as benign is not then subjected to further curation. The score for this variant resulted in a classification of benign for this disease.

Illumina Laboratory Services, Illumina
Classification: Uncertain significance for Channelopathy-associated congenital insensitivity to pain, autosomal recessive. Last evaluated: 2018-01-13. Review status: criteria provided, single submitter. Criteria: ICSL Variant Classification Criteria 13 December 2019. Collection method: clinical testing. Allele origin: germline.

Illumina Laboratory Services, Illumina
Classification: Benign for Primary erythromelalgia. Last evaluated: 2018-01-13. Review status: criteria provided, single submitter. Criteria: ICSL Variant Classification Criteria 13 December 2019. Collection method: clinical testing. Allele origin: germline.
Comment: the same text as in the submission from Illumina Laboratory Services, Illumina above.